The following is an entry in ClinVar:

ClinVar aggregate classification (germline): Uncertain significance (1 of 4 stars; one submission).

Conditions:
Cardiovascular phenotype. Identifiers: MedGen CN230736.

Allele frequency attached by ClinVar (database versions not stated): TOPMed below 0.00001.
gnomAD v4.1: 5 of 1,571,534 alleles (0.00032%); highest among the groups gnomAD compares: Non-Finnish European, 0.00043%; no homozygotes.

Submission:

Ambry Genetics
Classification: Uncertain significance for Cardiovascular phenotype. Last evaluated: 2025-01-31. Review status: criteria provided, single submitter. Criteria: Ambry Variant Classification Scheme 2023. Collection method: clinical testing. Allele origin: germline.
Comment: The p.C357W variant (also known as c.1071C>G), located in coding exon 2 of the TNXB gene, results from a C to G substitution at nucleotide position 1071. The cysteine at codon 357 is replaced by tryptophan, an amino acid with highly dissimilar properties. This amino acid position is conserved. In addition, the in silico prediction for this alteration is inconclusive. Based on the available evidence, the clinical significance of this variant remains unclear.

NM_001365276.2(TNXB):c.1071C>G (p.Cys357Trp)

Gene: TNXB (tenascin XB; minus strand). Cytogenetic location: 6p21.33.
Variant type: single nucleotide variant.
Coding change: c.1071C>G on transcript NM_001365276.2 (MANE Select); coding-DNA position 1071, C replaced by G.
Protein change: p.Cys357Trp; replaces cysteine 357 with tryptophan.
Molecular consequence: missense variant.
Genome position (GRCh38, 1-based): chr6:32,096,782, G>C on the plus strand (C>G on the coding strand, the complement: TNXB is on the minus strand). VCF-style: chr6-32096782-G-C. GRCh37 (hg19) VCF-style: chr6-32064559-G-C.
Other names: c.1071C>G, p.Cys357Trp (NM_019105.8); short protein forms C357W.
Identifiers: ClinVar variation 2530346 (VCV002530346.3), dbSNP rs1265647269, ClinGen allele CA363483923.